The following is an entry in ClinVar:

ClinVar aggregate classification (germline): Uncertain significance (1 of 4 stars; one submission).

Conditions:
Chédiak-Higashi syndrome (CHS). Also called: Chediak-Higashi Syndrome. Identifiers: Orphanet 167, MedGen C0007965, MONDO:0008963, OMIM 214500.

Allele frequency attached by ClinVar (database versions not stated): gnomAD 0.00001; ExAC 0.00003.
gnomAD v4.1: 31 of 1,611,080 alleles (0.0019%); highest among the groups gnomAD compares: South Asian, 0.033%; 1 homozygote.

Submission:

Neuberg Centre For Genomic Medicine, NCGM
Classification: Uncertain significance for Chédiak-Higashi syndrome. Review status: criteria provided, single submitter. Criteria: ACMG Guidelines, 2015. Collection method: clinical testing. Allele origin: germline. Affected: yes.
Comment: The missense variant p.Y2519F in LYST (NM_000081.4) has not been reported previously as a pathogenic variant nor as a benign variant, to our knowledge. The p.Y2519F variant is observed in 5/30,590 (0.0163%) alleles from individuals of South Asian background in gnomAD Exomes and is novel (not in any individuals) in 1000 Genomes. The p.Y2519F missense variant is predicted to be damaging by both SIFT and PolyPhen2. The nucleotide c.7556 in LYST is predicted conserved by GERP++ and PhyloP across 100 vertebrates. For these reasons, this variant has been classified as Uncertain Significance.

NM_000081.4(LYST):c.7556A>T (p.Tyr2519Phe)

Gene: LYST (lysosomal trafficking regulator; minus strand). Cytogenetic location: 1q42.3.
Variant type: single nucleotide variant.
Coding change: c.7556A>T on transcript NM_000081.4 (MANE Select); coding-DNA position 7556, A replaced by T.
Protein change: p.Tyr2519Phe; replaces tyrosine 2519 with phenylalanine.
Molecular consequence: missense variant.
Genome position (GRCh38, 1-based): chr1:235,752,076, T>A on the plus strand (A>T on the coding strand, the complement: LYST is on the minus strand). VCF-style: chr1-235752076-T-A. GRCh37 (hg19) VCF-style: chr1-235915376-T-A.
Other names: c.7556A>T, p.Tyr2519Phe (NM_001301365.1); short protein forms Y2519F.
Identifiers: ClinVar variation 1339231 (VCV001339231.2), dbSNP rs773634433, ClinGen allele CA1466112.